The following is an entry in ClinVar:

NM_015102.5(NPHP4):c.1858G>A (p.Val620Ile)

Gene: NPHP4 (nephrocystin 4; minus strand). Cytogenetic location: 1p36.31.
Variant type: single nucleotide variant.
Coding change: c.1858G>A on transcript NM_015102.5 (MANE Select); coding-DNA position 1858, G replaced by A.
Protein change: p.Val620Ile; replaces valine 620 with isoleucine.
Molecular consequence: missense variant. On other transcripts: non-coding transcript variant (1).
Genome position (GRCh38, 1-based): chr1:5,905,389, C>T on the plus strand (G>A on the coding strand, the complement: NPHP4 is on the minus strand). VCF-style: chr1-5905389-C-T. GRCh37 (hg19) VCF-style: chr1-5965449-C-T.
Other names: c.319G>A, p.Val107Ile (NM_001291593.2); c.322G>A, p.Val108Ile (NM_001291594.2); c.1858G>A (NM_015102.3); short protein forms V620I, V107I, V108I.
Identifiers: ClinVar variation 595484 (VCV000595484.6), dbSNP rs1557699298, ClinGen allele CA338054662.

ClinVar aggregate classification (germline): Uncertain significance. Review status: criteria provided, multiple submitters, no conflicts (2 of 4 stars). 2 submissions from 2 submitters: Uncertain significance (2). Last evaluated 2024-08-21.

Submissions (2):

GeneDx
Classification: Uncertain significance. Last evaluated: 2024-08-21. Review status: criteria provided, single submitter. Criteria: GeneDx Variant Classification Process June 2021. Collection method: clinical testing. Allele origin: germline. Affected: yes.
Comment: Not observed at significant frequency in large population cohorts (gnomAD); In silico analysis indicates that this missense variant does not alter protein structure/function; Has not been previously published as pathogenic or benign to our knowledge

Eurofins Ntd Llc (ga)
Classification: Uncertain significance. Last evaluated: 2017-12-21. Review status: criteria provided, single submitter. Criteria: EGL Classification Definitions 2015. Collection method: clinical testing. Allele origin: germline. Observed: 1 variant allele, 1 heterozygote.